The following is an entry in ClinVar:

ClinVar aggregate classification (germline): Pathogenic, low penetrance (1 of 4 stars; one submission).

Conditions:
Atypical hemolytic-uremic syndrome. Identifiers: Orphanet 2134, MedGen C2931788, MONDO:0016244.

Submission:

Genomenon, Inc
Classification: Pathogenic, low penetrance for Atypical hemolytic-uremic syndrome. Last evaluated: 2025-10-02. Review status: criteria provided, single submitter. Criteria: Genomenon Sequence Variant Interpretation Standards - Updated. Collection method: curation. Allele origin: germline. Affected: yes.
Comment: CFH c.3133+1G>A is a canonical splice variant located in the donor splice region of intron 19. It is predicted to affect mRNA splicing, leading to a deleterious effect on the CFH protein. This variant has been observed in at least one proband affected with atypical hemolytic-uremic syndrome (PMID:28056875). It is absent or not present at a significant frequency in gnomAD. In conclusion, we classify CFH c.3133+1G>A as a pathogenic, low penetrance variant.

Literature cited by the submitters: PubMed 28056875.

NM_000186.4(CFH):c.3133+1G>A

Gene: CFH (complement factor H; plus strand). Cytogenetic location: 1q31.3.
Variant type: single nucleotide variant.
Coding change: c.3133+1G>A on transcript NM_000186.4 (MANE Select); the canonical splice donor site of the intron after coding-DNA position 3133, G replaced by A.
Molecular consequence: splice donor variant.
Genome position (GRCh38, 1-based): chr1:196,742,052, G>A. VCF-style: chr1-196742052-G-A. GRCh37 (hg19) VCF-style: chr1-196711182-G-A.
Identifiers: ClinVar variation 4291538 (VCV004291538.1).
Genomic context (GRCh38, chr1:196,742,052, plus strand): 5'-ATGGAGCCAGTAATGTAACATGCATTAATAGCAGATGGACAGGAAGGCCAACATGCAGAG[G>A]TACTTTGGTGAATTTTCAAAATTTATTTATATAATGTGTGGGCCCAGCCCAGTGGCTGGC-3'